The following is an entry in ClinVar:

NM_020923.3(ZDBF2):c.4941G>A (p.Met1647Ile)

Gene: ZDBF2 (zinc finger DBF-type containing 2; plus strand). Cytogenetic location: 2q33.3.
Variant type: single nucleotide variant.
Coding change: c.4941G>A on transcript NM_020923.3 (MANE Select); coding-DNA position 4941, G replaced by A.
Protein change: p.Met1647Ile; replaces methionine 1647 with isoleucine.
Molecular consequence: missense variant.
Genome position (GRCh38, 1-based): chr2:206,309,469, G>A. VCF-style: chr2-206309469-G-A. GRCh37 (hg19) VCF-style: chr2-207174193-G-A.
Other names: c.4935G>A, p.Met1645Ile (NM_001285549.2); c.4941G>A, p.Met1647Ile (NM_001369654.1); short protein forms M1645I, M1647I.
Identifiers: ClinVar variation 3684204 (VCV003684204.2).

ClinVar aggregate classification (germline): Uncertain significance (1 of 4 stars; one submission).

Submission:

Labcorp Genetics (formerly Invitae), Labcorp
Classification: Uncertain significance. Last evaluated: 2025-09-08. Review status: criteria provided, single submitter. Criteria: Invitae Variant Classification Sherloc (09022015). Collection method: clinical testing. Allele origin: germline.
Comment: This sequence change replaces methionine, which is neutral and non-polar, with isoleucine, which is neutral and non-polar, at codon 1647 of the ZDBF2 protein (p.Met1647Ile). This variant is not present in population databases (gnomAD no frequency). This variant has not been reported in the literature in individuals affected with ZDBF2-related conditions. ClinVar contains an entry for this variant (Variation ID: 3684204). An algorithm developed to predict the effect of missense changes on protein structure and function (PolyPhen-2) suggests that this variant is likely to be tolerated. In summary, the available evidence is currently insufficient to determine the role of this variant in disease. Therefore, it has been classified as a Variant of Uncertain Significance.